The following is an entry in ClinVar:

NM_181882.3(PRX):c.4328C>G (p.Ser1443Ter)

Gene: PRX (periaxin; minus strand). Cytogenetic location: 19q13.2.
Variant type: single nucleotide variant.
Coding change: c.4328C>G on transcript NM_181882.3 (MANE Select); coding-DNA position 4328, C replaced by G.
Protein change: p.Ser1443Ter; replaces serine 1443 with a stop codon.
Molecular consequence: nonsense. On other transcripts: 3 prime UTR variant (1).
Genome position (GRCh38, 1-based): chr19:40,394,024, G>C on the plus strand (C>G on the coding strand, the complement: PRX is on the minus strand). VCF-style: chr19-40394024-G-C. GRCh37 (hg19) VCF-style: chr19-40899931-G-C.
Other names: c.4613C>G, p.Ser1538Ter (NM_001411127.1); c.*4533C>G (NM_020956.2); short protein forms S1443*, S1538*.
Identifiers: ClinVar variation 4886113 (VCV004886113.2).

ClinVar aggregate classification (germline): Uncertain significance (1 of 4 stars; one submission).

Submission:

Dasa
Classification: Uncertain significance. Last evaluated: 2025-05-14. Review status: criteria provided, single submitter. Criteria: DASA Assertion Criteria. Collection method: clinical testing. Allele origin: germline.
Comment: NM_181882.3(PRX):c.4328C>G (p.Ser1443*) is a nonsense variant in PRX predicted to introduce a premature termination codon and is predicted to result in an absent or altered protein product. This variant is absent from population databases. The currently available literature and clinical evidence are not sufficient to establish a definitive association between this variant and the reported condition. Therefore, this variant is classified as a variant of uncertain significance.